The following is an entry in ClinVar:

ClinVar aggregate classification (germline): Uncertain significance. Review status: criteria provided, multiple submitters, no conflicts (2 of 4 stars). 2 submissions from 2 submitters: Uncertain significance (2). Last evaluated 2024-08-06.

Conditions:
Hereditary cancer-predisposing syndrome. Also called: Neoplastic Syndromes, Hereditary; Tumor predisposition; Hereditary Cancer Syndrome; Hereditary neoplastic syndrome. Identifiers: Orphanet 140162, MedGen C0027672, MeSH D009386, MONDO:0015356.
Familial cancer of breast. Also called: BREAST CANCER, FAMILIAL; Hereditary breast cancer; hereditary breast carcinoma. Identifiers: Orphanet 227535, MedGen C0346153, MONDO:0016419, OMIM 114480. Disease mechanism: loss of function.

Submissions (2):

Labcorp Genetics (formerly Invitae), Labcorp
Classification: Uncertain significance for Familial cancer of breast. Last evaluated: 2024-08-06. Review status: criteria provided, single submitter. Criteria: Invitae Variant Classification Sherloc (09022015). Collection method: clinical testing. Allele origin: germline.
Comment: This sequence change replaces glycine, which is neutral and non-polar, with aspartic acid, which is acidic and polar, at codon 738 of the PALB2 protein (p.Gly738Asp). This variant is not present in population databases (gnomAD no frequency). This variant has not been reported in the literature in individuals affected with PALB2-related conditions. ClinVar contains an entry for this variant (Variation ID: 484238). Advanced modeling of protein sequence and biophysical properties (such as structural, functional, and spatial information, amino acid conservation, physicochemical variation, residue mobility, and thermodynamic stability) performed at Invitae indicates that this missense variant is not expected to disrupt PALB2 protein function with a negative predictive value of 80%. In summary, the available evidence is currently insufficient to determine the role of this variant in disease. Therefore, it has been classified as a Variant of Uncertain Significance.

Ambry Genetics
Classification: Uncertain significance for Hereditary cancer-predisposing syndrome. Last evaluated: 2023-07-21. Review status: criteria provided, single submitter. Criteria: Ambry Variant Classification Scheme 2023. Collection method: clinical testing. Allele origin: germline.
Comment: The p.G738D variant (also known as c.2213G>A), located in coding exon 5 of the PALB2 gene, results from a G to A substitution at nucleotide position 2213. The glycine at codon 738 is replaced by aspartic acid, an amino acid with similar properties. This amino acid position is not well conserved in available vertebrate species. In addition, this alteration is predicted to be tolerated by in silico analysis. Since supporting evidence is limited at this time, the clinical significance of this alteration remains unclear.

NM_024675.4(PALB2):c.2213G>A (p.Gly738Asp)

Gene: PALB2 (partner and localizer of BRCA2; minus strand). Cytogenetic location: 16p12.2.
Variant type: single nucleotide variant.
Coding change: c.2213G>A on transcript NM_024675.4 (MANE Select); coding-DNA position 2213, G replaced by A.
Protein change: p.Gly738Asp; replaces glycine 738 with aspartic acid.
Molecular consequence: missense variant.
Genome position (GRCh38, 1-based): chr16:23,629,941, C>T on the plus strand (G>A on the coding strand, the complement: PALB2 is on the minus strand). VCF-style: chr16-23629941-C-T. GRCh37 (hg19) VCF-style: chr16-23641262-C-T.
Other names: short protein forms G738D.
Identifiers: ClinVar variation 484238 (VCV000484238.16), dbSNP rs1555460450, ClinGen allele CA395125567.